The following is an entry in ClinVar:

NM_054012.4(ASS1):c.851C>T (p.Thr284Ile)

Gene: ASS1 (argininosuccinate synthase 1; plus strand). Cytogenetic location: 9q34.11.
Variant type: single nucleotide variant.
Coding change: c.851C>T on transcript NM_054012.4 (MANE Select); coding-DNA position 851, C replaced by T.
Protein change: p.Thr284Ile; replaces threonine 284 with isoleucine.
Molecular consequence: missense variant.
Genome position (GRCh38, 1-based): chr9:130,489,345, C>T. VCF-style: chr9-130489345-C-T. GRCh37 (hg19) VCF-style: chr9-133364732-C-T.
Other names: c.851C>T, p.Thr284Ile (NM_000050.4); short protein forms T284I.
Identifiers: ClinVar variation 265961 (VCV000265961.11), dbSNP rs886039853, ClinGen allele CA10588902.

ClinVar aggregate classification (germline): Conflicting classifications of pathogenicity. Review status: criteria provided, conflicting classifications (1 of 4 stars). 5 submissions from 5 submitters: Likely pathogenic (3); Uncertain significance (1). 1 of the submissions does not count toward it. Last evaluated 2025-10-17.

Conditions:
Citrullinemia. Identifiers: Orphanet 187, MedGen C0175683, MONDO:0015991.
Citrullinemia type I (CTNL1). Also called: argininosuccinate synthetase deficiency; ASS DEFICIENCY. Identifiers: Orphanet 247525, MedGen C4721769, MONDO:0008988, OMIM 215700.

Allele frequency attached by ClinVar (database versions not stated): gnomAD exomes below 0.00001; TOPMed below 0.00001; gnomAD 0.00001.
gnomAD v4.1: 2 of 1,613,642 alleles (0.00012%); highest among the groups gnomAD compares: African/African-American, 0.0013%; no homozygotes.

Submissions (5):

Labcorp Genetics (formerly Invitae), Labcorp
Classification: Likely pathogenic for Citrullinemia. Last evaluated: 2025-10-17. Review status: criteria provided, single submitter. Criteria: Invitae Variant Classification Sherloc (09022015). Collection method: clinical testing. Allele origin: germline.
Comment: This sequence change replaces threonine, which is neutral and polar, with isoleucine, which is neutral and non-polar, at codon 284 of the ASS1 protein (p.Thr284Ile). This variant is present in population databases (no rsID available, gnomAD 0.01%). This missense change has been observed in individual(s) with clinical features of ASS1-related conditions (PMID: 19006241; internal data). In at least one individual the data is consistent with being in trans (on the opposite chromosome) from a pathogenic variant. ClinVar contains an entry for this variant (Variation ID: 265961). Invitae Evidence Modeling of protein sequence and biophysical properties (such as structural, functional, and spatial information, amino acid conservation, physicochemical variation, residue mobility, and thermodynamic stability) indicates that this missense variant is expected to disrupt ASS1 protein function with a positive predictive value of 80%. In summary, the currently available evidence indicates that the variant is pathogenic, but additional data are needed to prove that conclusively. Therefore, this variant has been classified as Likely Pathogenic.

Myriad Genetics, Inc.
Classification: Uncertain significance for Citrullinemia type I. Last evaluated: 2025-07-22. Review status: criteria provided, single submitter. Criteria: Myriad Autosomal Dominant, Autosomal Recessive and X-Linked Classification Criteria (2023). Collection method: clinical testing. Allele origin: unknown.
Comment: NM_000050.4(ASS1):c.851C>T(T284I) is a missense variant classified as a variant of uncertain significance in the context of citrullinemia type 1. T284I has been observed in a case with relevant disease (PMID: 19006241). Relevant functional assessments of this variant are not available in the literature. T284I has been observed in referenced population frequency databases. In summary, there is insufficient evidence to classify NM_000050.4(ASS1):c.851C>T(T284I) as pathogenic or benign. Please note: this variant was assessed in the context of healthy population screening.

Fulgent Genetics
Classification: Likely pathogenic for Citrullinemia type I. Last evaluated: 2024-03-18. Review status: criteria provided, single submitter. Criteria: ACMG Guidelines, 2015. Collection method: clinical testing. Allele origin: germline.

Baylor Genetics
Classification: Likely pathogenic for Citrullinemia type I. Last evaluated: 2024-02-18. Review status: criteria provided, single submitter. Criteria: ACMG Guidelines, 2015. Collection method: clinical testing. Allele origin: unknown.

GeneReviews
No classification provided. Condition: Citrullinemia type I. Review status: no classification provided. Collection method: literature only. Allele origin: germline. Affected: yes. Not counted in ClinVar's aggregate classification.

Literature cited by the submitters: PubMed 19006241 (cited by 3 submitters); NCBI Bookshelf NBK1458 (cited by GeneReviews).